The following is an entry in ClinVar:

ClinVar aggregate classification (germline): Likely benign. Review status: criteria provided, multiple submitters, no conflicts (2 of 4 stars). 3 submissions from 3 submitters: Likely benign (3). Last evaluated 2025-06-06.

Allele frequency attached by ClinVar (database versions not stated): ExAC 0.00012; ESP Exome Variant Server 0.00022; gnomAD 0.00025 and 0.00029; gnomAD exomes 0.00028 and 0.00032; TOPMed 0.00035.
gnomAD v4.1: 493 of 1,537,042 alleles (0.032%); highest among the groups gnomAD compares: Admixed American, 0.077%; no homozygotes.

Submissions (3):

Mayo Clinic Laboratories, Mayo Clinic
Classification: Likely benign. Last evaluated: 2025-06-06. Review status: criteria provided, single submitter. Criteria: ACMG Guidelines, 2015. Collection method: clinical testing. Allele origin: germline. Observed: 1 variant allele.
Comment: BP4, BP7, PM2_supporting

Labcorp Genetics (formerly Invitae), Labcorp
Classification: Likely benign. Last evaluated: 2025-05-20. Review status: criteria provided, single submitter. Criteria: Invitae Variant Classification Sherloc (09022015). Collection method: clinical testing. Allele origin: germline.

Blueprint Genetics
Classification: Likely benign. Last evaluated: 2024-10-10. Review status: criteria provided, single submitter. Criteria: ACMG Guidelines, 2015. Collection method: clinical testing. Allele origin: germline.

NM_001256071.3(RNF213):c.3681C>T (p.Leu1227=)

Gene: RNF213 (ring finger protein 213; plus strand). Cytogenetic location: 17q25.3.
Variant type: single nucleotide variant.
Coding change: c.3681C>T on transcript NM_001256071.3 (MANE Select); coding-DNA position 3681, C replaced by T.
Protein change: p.Leu1227=; no amino-acid change (leucine 1227 retained).
Molecular consequence: synonymous variant.
Genome position (GRCh38, 1-based): chr17:80,332,169, C>T. VCF-style: chr17-80332169-C-T. GRCh37 (hg19) VCF-style: chr17-78305969-C-T.
Other names: p.Leu1227=.
Identifiers: ClinVar variation 748602 (VCV000748602.7), dbSNP rs373282428, ClinGen allele CA8820197.
Genomic context (GRCh38, chr17:80,332,169, plus strand): 5'-GGCAACGCATTACCACCTGAGCTCCCAGGTCCAAGAAATGGCTGGGAAGATAGACTTGCT[C>T]AGAGACAGCCACATCTTCCAGCTCTTCTGGCGGGAAGCCGCAGAGCCGCTGAGTGAGCCT-3'
Protein context (NP_001243000.2, residues 1217-1237): VQEMAGKIDL[Leu1227=]RDSHIFQLFW